The following is an entry in ClinVar:

ClinVar aggregate classification (germline): Uncertain significance. Review status: criteria provided, multiple submitters, no conflicts (2 of 4 stars). 2 submissions from 2 submitters: Uncertain significance (2). Last evaluated 2024-10-05.

Conditions:
Hypertrophic cardiomyopathy. Also called: HYPERTROPHIC MYOCARDIOPATHY. Identifiers: Orphanet 217569, MedGen C0007194, MeSH D002312, MONDO:0005045, HP:0001639.
Cardiomyopathy (CMYO). Also called: Cardiomyopathies. Identifiers: Orphanet 167848, MedGen C0878544, MONDO:0004994, HP:0001638. Inheritance: Various modes of inheritance.

Allele frequency attached by ClinVar (database versions not stated): gnomAD exomes below 0.00001.

Submissions (2):

Labcorp Genetics (formerly Invitae), Labcorp
Classification: Uncertain significance for Hypertrophic cardiomyopathy. Last evaluated: 2024-10-05. Review status: criteria provided, single submitter. Criteria: Invitae Variant Classification Sherloc (09022015). Collection method: clinical testing. Allele origin: germline.
Comment: This sequence change replaces valine, which is neutral and non-polar, with methionine, which is neutral and non-polar, at codon 683 of the MYH7 protein (p.Val683Met). This variant is not present in population databases (gnomAD no frequency). This variant has not been reported in the literature in individuals affected with MYH7-related conditions. ClinVar contains an entry for this variant (Variation ID: 1498551). An algorithm developed to predict the effect of missense changes on protein structure and function (PolyPhen-2) suggests that this variant is likely to be disruptive. This variant is found within a region of MYH7 between codons 181 and 937 that contains the majority of the myosin head domain. Missense variants in this region have been shown to be significantly overrepresented in individuals with hypertrophic cardiomyopathy (PMID: 27532257). In summary, the available evidence is currently insufficient to determine the role of this variant in disease. Therefore, it has been classified as a Variant of Uncertain Significance.

All of Us Research Program, National Institutes of Health
Classification: Uncertain significance for Cardiomyopathy. Last evaluated: 2023-12-18. Review status: criteria provided, single submitter. Criteria: ACMG Guidelines, 2015. Collection method: clinical testing. Allele origin: germline. Inheritance: Autosomal dominant inheritance. Observed: 1 variant allele, 1 heterozygote.
Comment: This missense variant replaces valine with methionine at codon 683 of the MYH7 protein. Computational prediction tool indicates that this variant may have a neutral impact on protein structure and function. To our knowledge, functional studies have not been reported for this variant. This variant has not been reported in individuals affected with MYH7-related disorders in the literature. This variant has been identified in 1/251110 chromosomes in the general population by the Genome Aggregation Database (gnomAD). The available evidence is insufficient to determine the role of this variant in disease conclusively. Therefore, this variant is classified as a Variant of Uncertain Significance.

This study involves interpretation of variants in research participants for the purpose of population health screening. Participant phenotype was not available at the time of variant classification. Additional details can be found in publication PMID: 35346344, PMCID: PMC8962531

Literature cited by the submitters: PubMed 27532257 (cited by Labcorp Genetics (formerly Invitae), Labcorp).

NM_000257.4(MYH7):c.2047G>A (p.Val683Met)

Gene: MYH7 (myosin heavy chain 7; minus strand). Cytogenetic location: 14q11.2.
Variant type: single nucleotide variant.
Coding change: c.2047G>A on transcript NM_000257.4 (MANE Select); coding-DNA position 2047, G replaced by A.
Protein change: p.Val683Met; replaces valine 683 with methionine.
Molecular consequence: missense variant.
Genome position (GRCh38, 1-based): chr14:23,426,079, C>T on the plus strand (G>A on the coding strand, the complement: MYH7 is on the minus strand). VCF-style: chr14-23426079-C-T. GRCh37 (hg19) VCF-style: chr14-23895288-C-T.
Other names: short protein forms V683M.
Identifiers: ClinVar variation 1498551 (VCV001498551.9), dbSNP rs1566532876, ClinGen allele CA389049237.